The following is an entry in ClinVar:

ClinVar aggregate classification (germline): Likely pathogenic (1 of 4 stars; one submission).

Conditions:
Autosomal recessive polycystic kidney disease (ARPKD). Also called: AR polycystic kidney disease. Identifiers: Orphanet 731, Orphanet 8378, MedGen C0085548, MeSH D017044, MONDO:0009889.

Submission:

Labcorp Genetics (formerly Invitae), Labcorp
Classification: Likely pathogenic for Autosomal recessive polycystic kidney disease. Last evaluated: 2021-12-22. Review status: criteria provided, single submitter. Criteria: Invitae Variant Classification Sherloc (09022015). Collection method: clinical testing. Allele origin: germline.
Comment: In summary, the currently available evidence indicates that the variant is pathogenic, but additional data are needed to prove that conclusively. Therefore, this variant has been classified as Likely Pathogenic. ClinVar contains an entry for this variant (Variation ID: 1067873). This variant has not been reported in the literature in individuals affected with PKHD1-related conditions. This variant results in the deletion of part of exon 66 (c.11666-593_11752del) of the PKHD1 gene. It is expected to disrupt RNA splicing. Variants that disrupt the donor or acceptor splice site typically lead to a loss of protein function (PMID: 16199547), and loss-of-function variants in PKHD1 are known to be pathogenic (PMID: 19940839).

Literature cited by the submitters: PubMed 16199547; PubMed 19940839.

NC_000006.11:g.(?_51491828)_(51492507_?)del

Gene: PKHD1 (PKHD1 ciliary IPT domain containing fibrocystin/polyductin; minus strand). Cytogenetic location: 6p12.3.
Variant type: Deletion.
Identifiers: ClinVar variation 1346391 (VCV001346391.6).